The following is an entry in ClinVar:

ClinVar aggregate classification (germline): Likely pathogenic (1 of 4 stars; one submission).

Conditions:
Joubert syndrome and related disorders. Identifiers: Orphanet 140874, MedGen C5679612, MONDO:0015369.

Submission:

Women's Health and Genetics/Laboratory Corporation of America, LabCorp
Classification: Likely pathogenic for Joubert syndrome and related disorders. Last evaluated: 2022-04-07. Review status: criteria provided, single submitter. Criteria: LabCorp Variant Classification Summary - May 2015. Collection method: clinical testing. Allele origin: germline.
Comment: Variant summary: AHI1 c.1671delA (p.Gly558ValfsX15) results in a premature termination codon, predicted to cause a truncation of the encoded protein or absence of the protein due to nonsense mediated decay, which are commonly known mechanisms for disease. Truncations downstream of this position have been reported in HGMD in association with Joubert syndrome. The variant was absent in 243678 control chromosomes. To our knowledge, no occurrence of c.1671delA in individuals affected with Joubert Syndrome And Related Disorders and no experimental evidence demonstrating its impact on protein function have been reported. No clinical diagnostic laboratories have submitted clinical-significance assessments for this variant to ClinVar after 2014. Based on the evidence outlined above, the variant was classified as likely pathogenic.

NM_001134831.2(AHI1):c.1671del (p.Gly558fs)

Gene: AHI1 (Abelson helper integration site 1; minus strand). Cytogenetic location: 6q23.3.
Variant type: Deletion.
Coding change: c.1671del on transcript NM_001134831.2 (MANE Select); coding-DNA position 1671, one base deleted (A; older notation c.1671delA).
Protein change: p.Gly558fs; shifts the reading frame from glycine 558.
Molecular consequence: frameshift variant.
Genome position (GRCh38, 1-based): chr6:135,447,116, T deleted on the plus strand (A on the coding strand, the reverse complement: AHI1 is on the minus strand); the first of 5 consecutive T bases (chr6:135,447,116-135,447,120); deleting any one gives the same sequence. VCF-style (leftmost placement, unchanged base first): chr6-135447115-CT-C. GRCh37 (hg19) VCF-style: chr6-135768253-CT-C.
Other names: c.1671del, p.Gly558fs (NM_001134830.2, NM_001134832.2, NM_001350503.2 and 2 more transcripts); short protein forms G558fs.
Identifiers: ClinVar variation 1683357 (VCV001683357.1), dbSNP rs2128056526, ClinGen allele CA2573140581.